The following is an entry in ClinVar:

ClinVar aggregate classification (germline): Conflicting classifications of pathogenicity. Review status: criteria provided, conflicting classifications (1 of 4 stars). 6 submissions from 6 submitters: Pathogenic (1); Likely pathogenic (4); Uncertain significance (1). Last evaluated 2026-06-17.

Conditions:
SCN9A-related disorder. Also called: SCN9A-related disorders; SCN9A-related condition.
Channelopathy-associated congenital insensitivity to pain, autosomal recessive. Also called: ASYMBOLIA FOR PAIN; CONGENITAL ANALGESIA, AUTOSOMAL RECESSIVE; Insensitivity to pain, channelopathy-associated. Identifiers: Orphanet 88642, Orphanet 970, MedGen C1855739, MONDO:0009459, OMIM 243000.
Paroxysmal extreme pain disorder (PEXPD). Also called: PAIN, SUBMANDIBULAR, OCULAR, AND RECTAL, WITH FLUSHING; RECTAL PAIN, FAMILIAL; SCN9A Paroxysmal Extreme Pain Disorder (SCN9A-PEPD). Identifiers: Orphanet 46348, MedGen C1833661, MONDO:0008179, OMIM 167400.
Neuropathy, hereditary sensory and autonomic, type 2A (HSAN2A). Also called: ACROOSTEOLYSIS, GIACCAI TYPE; ACROOSTEOLYSIS, NEUROGENIC; HSAN IIA; WNK1-Related HSAN2 (HSAN2A); MORVAN DISEASE; NEUROPATHY, CONGENITAL SENSORY. Identifiers: Orphanet 970, MedGen C2752089, MONDO:0024309, OMIM 201300.
Generalized epilepsy with febrile seizures plus. Also called: Generalized Epilepsy with Febrile Seizures Plus (GEFS+). Identifiers: Orphanet 36387, MedGen C3502809, MONDO:0018214.
Primary erythromelalgia. Also called: SCN9A Erythromelalgia (SCN9A-EM); primary erythermalgia. Identifiers: Orphanet 306577, Orphanet 90026, MedGen C0014805, MONDO:0007571, OMIM 133020.
Inborn genetic diseases. Identifiers: MedGen C0950123, MeSH D030342.
Generalized epilepsy with febrile seizures plus, type 7 (GEFSP7). Also called: GEFS+, TYPE 7. Identifiers: Orphanet 36387, MedGen C2751778, MONDO:0013470, OMIM 613863.

Allele frequency attached by ClinVar (database versions not stated): ExAC 0.00002; ESP Exome Variant Server 0.00008; gnomAD exomes 0.00002 and 0.00003; gnomAD 0.00004; TOPMed 0.00005.
gnomAD v4.1: 54 of 1,613,898 alleles (0.0033%); highest among the groups gnomAD compares: African/African-American, 0.0067%; no homozygotes.

Submissions (6):

PreventionGenetics, part of Exact Sciences
Classification: Likely pathogenic for SCN9A-related condition. Last evaluated: 2026-06-17. Review status: criteria provided, single submitter. Criteria: ACMG Guidelines, 2015. Collection method: clinical testing. Allele origin: germline.
Comment: The SCN9A c.2686C>T variant is predicted to result in the amino acid substitution p.Arg896Trp. This variant has been reported in the homozygous or compound heterozygous state with a second SCN9A variant in two individuals with autosomal recessive congenital insensitivity to pain (Shaikh et al. 2018. PubMed ID: 30002500; Palma et al. 2021. PubMed ID: 33884296). In vitro patch-clamp studies have demonstrated that this variant results in a near-total loss of sodium channel activity (McDermott et al. 2019. PubMed ID: 30795902). This variant is reported in 0.012% of alleles in individuals of African descent in gnomAD. An alternate missense change at the same amino acid position (p.Arg896Gln) has also been reported in the homozygous or compound heterozygous state as disease-causing in individuals with SCN9A-related diseases and shown to be functionally deleterious (Cox et al. 2010. PubMed ID: 20635406; Marchi et al. 2018. PubMed ID: 29978519; Table S1, Monies et al. 2019. PubMed ID: 31130284). Taken together, the p.Arg896Trp variant is interpreted as likely pathogenic for autosomal recessive SCN9A-related disorders.

Labcorp Genetics (formerly Invitae), Labcorp
Classification: Likely pathogenic for Neuropathy, hereditary sensory and autonomic, type 2A; Generalized epilepsy with febrile seizures plus, type 7. Last evaluated: 2024-09-16. Review status: criteria provided, single submitter. Criteria: Invitae Variant Classification Sherloc (09022015). Collection method: clinical testing. Allele origin: germline.
Comment: This sequence change replaces arginine, which is basic and polar, with tryptophan, which is neutral and slightly polar, at codon 896 of the SCN9A protein (p.Arg896Trp). This variant is present in population databases (rs202152511, gnomAD 0.02%). This missense change has been observed in individuals with autosomal recessive congenital insensitivity to pain (PMID: 30795902, 33884296). ClinVar contains an entry for this variant (Variation ID: 421969). Invitae Evidence Modeling of protein sequence and biophysical properties (such as structural, functional, and spatial information, amino acid conservation, physicochemical variation, residue mobility, and thermodynamic stability) has been performed for this missense variant. However, the output from this modeling did not meet the statistical confidence thresholds required to predict the impact of this variant on SCN9A protein function. Experimental studies have shown that this missense change affects SCN9A function (PMID: 30795902). This variant disrupts the p.Arg896 amino acid residue in SCN9A. Other variant(s) that disrupt this residue have been determined to be pathogenic (PMID: 20635406, 29978519). This suggests that this residue is clinically significant, and that variants that disrupt this residue are likely to be disease-causing. In summary, the currently available evidence indicates that the variant is pathogenic, but additional data are needed to prove that conclusively. Therefore, this variant has been classified as Likely Pathogenic.

Ambry Genetics
Classification: Likely pathogenic for Inborn genetic diseases. Last evaluated: 2023-12-30. Review status: criteria provided, single submitter. Criteria: Ambry Variant Classification Scheme 2023. Collection method: clinical testing. Allele origin: germline.
Comment: The c.2686C>T (p.R896W) alteration is located in exon 16 (coding exon 15) of the SCN9A gene. This alteration results from a C to T substitution at nucleotide position 2686, causing the arginine (R) at amino acid position 896 to be replaced by a tryptophan (W). _x000D_ _x000D_ Based on the available evidence, the c.2686C>T (p.R896W) alteration is classified as likely pathogenic for autosomal recessive congenital insensitivity to pain; however, its clinical significance for autosomal dominant SCN9A-related neuropathic pain syndromes is uncertain. Based on data from gnomAD, the T allele has an overall frequency of 0.002% (6/251204) total alleles studied. The highest observed frequency was 0.016% (1/6128) of Other alleles. This alteration was detected in the homozygous state, and in conjunction with another alteration in SCN9A, in two individuals with clinical features of congenital insensitivity to pain (Palma, 2021; McDermott, 2019; Shaikh, 2018; Keenan, 2021). This amino acid position is highly conserved in available vertebrate species. In an assay testing SCN9A function, this variant showed a functionally abnormal result (McDermott, 2019). This alteration is predicted to be deleterious by in silico analysis. Based on the available evidence, this alteration is classified as likely pathogenic.

GeneDx
Classification: Likely pathogenic. Last evaluated: 2023-03-08. Review status: criteria provided, single submitter. Criteria: GeneDx Variant Classification Process June 2021. Collection method: clinical testing. Allele origin: germline. Affected: yes.
Comment: Reported in an individual with congenital insensitivity to pain, who harbored a second SCN9A variant, however segregation information was not provided (Shaikhh et al., 2018; McDermott et al., 2019); Published functional studies demonstrate a significant loss of protein function (McDermott et al., 2019); In silico analysis supports that this missense variant has a deleterious effect on protein structure/function; This variant is associated with the following publications: (PMID: 34749381, 29978519, 30795902, 30002500, 20635406, 33884296, 34957475, Yammine2023[preprint])

Revvity Omics, Revvity
Classification: Pathogenic. Last evaluated: 2021-06-10. Review status: criteria provided, single submitter. Criteria: ACMG Guidelines, 2015. Collection method: clinical testing. Allele origin: germline.

Blueprint Genetics
Classification: Uncertain significance. Last evaluated: 2018-04-23. Review status: criteria provided, single submitter. Criteria: ACMG Guidelines, 2015. Collection method: clinical testing. Allele origin: germline.

Literature cited by the submitters: PubMed 30795902 (cited by Labcorp Genetics (formerly Invitae), Labcorp and Ambry Genetics); PubMed 33884296 (cited by Labcorp Genetics (formerly Invitae), Labcorp and Ambry Genetics); PubMed 20635406 (cited by Labcorp Genetics (formerly Invitae), Labcorp); PubMed 29978519 (cited by Labcorp Genetics (formerly Invitae), Labcorp); PubMed 30002500 (cited by Ambry Genetics); PubMed 34749381 (cited by Ambry Genetics).

NM_001365536.1(SCN9A):c.2719C>T (p.Arg907Trp)

Genes: SCN1A-AS1 (SCN1A and SCN9A antisense RNA 1; plus strand), SCN9A (sodium voltage-gated channel alpha subunit 9; minus strand). Cytogenetic location: 2q24.3.
Variant type: single nucleotide variant.
Coding change: c.2719C>T on transcript NM_001365536.1 (MANE Select); coding-DNA position 2719, C replaced by T.
Protein change: p.Arg907Trp; replaces arginine 907 with tryptophan.
Molecular consequence: missense variant. On other transcripts: non-coding transcript variant (1).
Genome position (GRCh38, 1-based): chr2:166,277,138, G>A on the plus strand (C>T on the coding strand, the complement: SCN9A is on the minus strand). VCF-style: chr2-166277138-G-A. GRCh37 (hg19) VCF-style: chr2-167133648-G-A.
Other names: c.2686C>T, p.Arg896Trp (NM_002977.4); short protein forms R896W, R907W.
Identifiers: ClinVar variation 421969 (VCV000421969.23), dbSNP rs202152511, ClinGen allele CA1944214.